The following is an entry in ClinVar:

ClinVar aggregate classification (germline): Uncertain significance (1 of 4 stars; one submission).

Conditions:
Dilated cardiomyopathy 1G (CMD1G). Identifiers: Orphanet 154, MedGen C1858763, MONDO:0011400, OMIM 604145.
Autosomal recessive limb-girdle muscular dystrophy type 2J (LGMDR10). Also called: MUSCULAR DYSTROPHY, LIMB-GIRDLE, AUTOSOMAL RECESSIVE 10; Limb-girdle muscular dystrophy, type 2J. Identifiers: Orphanet 140922, MedGen C1837342, MONDO:0012127, OMIM 608807.

gnomAD v4.1: 1 of 1,613,976 alleles (0.000062%); highest among the groups gnomAD compares: Non-Finnish European, 0.000085%; no homozygotes.

Submission:

Labcorp Genetics (formerly Invitae), Labcorp
Classification: Uncertain significance for Dilated cardiomyopathy 1G; Autosomal recessive limb-girdle muscular dystrophy type 2J. Last evaluated: 2023-11-27. Review status: criteria provided, single submitter. Criteria: Invitae Variant Classification Sherloc (09022015). Collection method: clinical testing. Allele origin: germline.
Comment: This sequence change replaces lysine, which is basic and polar, with methionine, which is neutral and non-polar, at codon 34267 of the TTN protein (p.Lys34267Met). This variant is present in population databases (no rsID available, gnomAD 0.0009%). This variant has not been reported in the literature in individuals affected with TTN-related conditions. Experimental studies and prediction algorithms are not available or were not evaluated, and the functional significance of this variant is currently unknown. This variant is located in the M band of TTN (PMID: 25589632). Non-truncating variants in this region may be relevant for neuromuscular disorders, but have not been definitively shown to cause cardiomyopathy (PMID: 23975875). In summary, the available evidence is currently insufficient to determine the role of this variant in disease. Therefore, it has been classified as a Variant of Uncertain Significance.

Literature cited by the submitters: PubMed 25589632; PubMed 23975875.

NM_001267550.2(TTN):c.102800A>T (p.Lys34267Met)

Genes: TTN-AS1 (TTN antisense RNA 1; plus strand), TTN (titin; minus strand). Cytogenetic location: 2q31.2.
Variant type: single nucleotide variant.
Coding change: c.102800A>T on transcript NM_001267550.2 (MANE Select); coding-DNA position 102800, A replaced by T.
Protein change: p.Lys34267Met; replaces lysine 34267 with methionine.
Molecular consequence: missense variant.
Genome position (GRCh38, 1-based): chr2:178,533,815, T>A on the plus strand (A>T on the coding strand, the complement: TTN is on the minus strand). VCF-style: chr2-178533815-T-A. GRCh37 (hg19) VCF-style: chr2-179398542-T-A.
Other names: c.97877A>T, p.Lys32626Met (NM_001256850.1); c.75605A>T, p.Lys25202Met (NM_003319.4); c.95096A>T, p.Lys31699Met (NM_133378.4); c.75980A>T, p.Lys25327Met (NM_133432.3); c.76181A>T, p.Lys25394Met (NM_133437.4); short protein forms K31699M, K25394M, K25202M, K25327M, K32626M, K34267M.
Identifiers: ClinVar variation 2943031 (VCV002943031.3), dbSNP rs879206062, ClinGen allele CA349416680.